The following is an entry in ClinVar:

NM_005751.5(AKAP9):c.11235del (p.Gln3746fs)

Gene: AKAP9 (A-kinase anchoring protein 9; plus strand). Cytogenetic location: 7q21.2.
Variant type: Deletion.
Coding change: c.11235del on transcript NM_005751.5 (MANE Select); coding-DNA position 11235, one base deleted (G; older notation c.11235delG).
Protein change: p.Gln3746fs; shifts the reading frame from glutamine 3746.
Molecular consequence: frameshift variant.
Genome position (GRCh38, 1-based): chr7:92,102,731, G deleted; the last of 7 consecutive G bases (chr7:92,102,725-92,102,731); deleting any one gives the same sequence. VCF-style (leftmost placement, unchanged base first): chr7-92102724-TG-T. GRCh37 (hg19) VCF-style: chr7-91732038-TG-T.
Other names: c.5880del, p.Gln1961fs (NM_001379277.1); c.11211del, p.Gln3738fs (NM_147185.3); short protein forms Q1961fs, Q3746fs, Q3738fs.
Identifiers: ClinVar variation 3002877 (VCV003002877.3), dbSNP rs747796926, ClinGen allele CA456620889.

ClinVar aggregate classification (germline): Uncertain significance (1 of 4 stars; one submission).

Conditions:
Long QT syndrome (LQTS). Identifiers: MedGen C0023976, MeSH D008133, MONDO:0002442. Disease mechanism: loss of function. Inheritance: Various modes of inheritance.

Submission:

Labcorp Genetics (formerly Invitae), Labcorp
Classification: Uncertain significance for Long QT syndrome. Last evaluated: 2023-12-05. Review status: criteria provided, single submitter. Criteria: Invitae Variant Classification Sherloc (09022015). Collection method: clinical testing. Allele origin: germline.
Comment: This sequence change creates a premature translational stop signal (p.Gln3746Serfs*7) in the AKAP9 gene. It is expected to result in an absent or disrupted protein product. However, the current clinical and genetic evidence is not sufficient to establish whether loss-of-function variants in AKAP9 cause disease. This variant is not present in population databases (gnomAD no frequency). This variant has not been reported in the literature in individuals affected with AKAP9-related conditions. In summary, the available evidence is currently insufficient to determine the role of this variant in disease. Therefore, it has been classified as a Variant of Uncertain Significance.